The following is an entry in ClinVar:

NM_153026.3(PRICKLE1):c.448T>C (p.Cys150Arg)

Gene: PRICKLE1 (prickle planar cell polarity protein 1; minus strand). Cytogenetic location: 12q12.
Variant type: single nucleotide variant.
Coding change: c.448T>C on transcript NM_153026.3 (MANE Select); coding-DNA position 448, T replaced by C.
Protein change: p.Cys150Arg; replaces cysteine 150 with arginine.
Molecular consequence: missense variant.
Genome position (GRCh38, 1-based): chr12:42,468,766, A>G on the plus strand (T>C on the coding strand, the complement: PRICKLE1 is on the minus strand). VCF-style: chr12-42468766-A-G. GRCh37 (hg19) VCF-style: chr12-42862568-A-G.
Other names: c.448T>C, p.Cys150Arg (NM_001144881.2, NM_001144882.2, NM_001144883.2); short protein forms C150R.
Identifiers: ClinVar variation 567700 (VCV000567700.8), dbSNP rs1566084587, ClinGen allele CA384443968.

ClinVar aggregate classification (germline): Uncertain significance (1 of 4 stars; one submission).

Conditions:
Epilepsy, progressive myoclonic, 1B. Also called: PME. Identifiers: Orphanet 308, MedGen C2676254, MONDO:0012904, OMIM 612437.

Allele frequency attached by ClinVar (database versions not stated): gnomAD exomes 0.00001.
gnomAD v4.1: 17 of 1,614,186 alleles (0.0011%); highest among the groups gnomAD compares: Non-Finnish European, 0.0014%; no homozygotes.

Submission:

Labcorp Genetics (formerly Invitae), Labcorp
Classification: Uncertain significance for Epilepsy, progressive myoclonic, 1B. Last evaluated: 2018-05-29. Review status: criteria provided, single submitter. Criteria: Invitae Variant Classification Sherloc (09022015). Collection method: clinical testing. Allele origin: germline.
Comment: In summary, the available evidence is currently insufficient to determine the role of this variant in disease. Therefore, it has been classified as a Variant of Uncertain Significance. Algorithms developed to predict the effect of missense changes on protein structure and function are either unavailable or do not agree on the potential impact of this missense change (SIFT: "Deleterious"; PolyPhen-2: "Benign"; Align-GVGD: "Class C0"). This variant has not been reported in the literature in individuals with PRICKLE1-related disease. This variant is not present in population databases (ExAC no frequency). This sequence change replaces cysteine with arginine at codon 150 of the PRICKLE1 protein (p.Cys150Arg). The cysteine residue is highly conserved and there is a large physicochemical difference between cysteine and arginine.